The following is an entry in ClinVar:

NM_007294.4(BRCA1):c.5194-9T>A

Gene: BRCA1 (BRCA1 DNA repair associated; minus strand). Cytogenetic location: 17q21.31.
Variant type: single nucleotide variant.
Coding change: c.5194-9T>A on transcript NM_007294.4 (MANE Select); 9 bases into the intron before coding-DNA position 5194, T replaced by A.
Molecular consequence: intron variant.
Genome position (GRCh38, 1-based): chr17:43,057,144, A>T on the plus strand (T>A on the coding strand, the complement: BRCA1 is on the minus strand). VCF-style: chr17-43057144-A-T. GRCh37 (hg19) VCF-style: chr17-41209161-A-T.
Other names: c.1762-9T>A (NM_001408426.1, NM_001408430.1, NM_001408427.1 and 4 more transcripts); c.1882-9T>A (NM_001407982.1, NM_001407980.1, NM_001407993.1 and 12 more transcripts); c.1951-9T>A (NM_001407970.1, NM_001407971.1); c.5191-9T>A (NM_001407621.1, NM_001407613.1, NM_001407618.1 and 17 more transcripts); c.5194-9T>A (NM_001407593.1, NM_001407603.1, NM_001407854.1 and 7 more transcripts); c.1741-9T>A (NM_001408458.1, NM_001408461.1, NM_001408464.1 and 7 more transcripts); c.4303-9T>A (NM_001407967.1); c.4813-9T>A (NM_001407959.1); and 72 more.
Identifiers: ClinVar variation 867820 (VCV000867820.3), dbSNP rs2051533572, ClinGen allele CA916081200.

Conditions:
Breast-ovarian cancer, familial, susceptibility to, 1 (BROVCA1). Also called: BRCA1 Hereditary Breast and Ovarian Cancer; OVARIAN CANCER, SUSCEPTIBILITY TO. Identifiers: Orphanet 145, MedGen C2676676, MONDO:0011450, OMIM 604370. Disease mechanism: loss of function.

Submission:

Brotman Baty Institute, University of Washington
No classification provided (evidence only). Condition: Breast-ovarian cancer, familial 1. Review status: no classification provided. Collection method: in vitro. Allele origin: not applicable. Functional consequence: functionally_normal.
ClinVar note: "not provided" was previously submitted as the classification for the variant. However, the classification appeared to be based only on an observation of functional data so it was converted to no classification on 2025-07-30.